The following is an entry in ClinVar:

ClinVar aggregate classification (germline): Uncertain significance (1 of 4 stars; one submission).

Submission:

Labcorp Genetics (formerly Invitae), Labcorp
Classification: Uncertain significance. Last evaluated: 2022-08-23. Review status: criteria provided, single submitter. Criteria: Invitae Variant Classification Sherloc (09022015). Collection method: clinical testing. Allele origin: germline.
Comment: This sequence change falls in intron 11 of the OCA2 gene. It does not directly change the encoded amino acid sequence of the OCA2 protein. It affects a nucleotide within the consensus splice site. Information on the frequency of this variant in the gnomAD database is not available, as this variant may be reported differently in the database. This variant has not been reported in the literature in individuals affected with OCA2-related conditions. ClinVar contains an entry for this variant (Variation ID: 1443408). Variants that disrupt the consensus splice site are a relatively common cause of aberrant splicing (PMID: 17576681, 9536098). Algorithms developed to predict the effect of sequence changes on RNA splicing suggest that this variant is not likely to affect RNA splicing. In summary, the available evidence is currently insufficient to determine the role of this variant in disease. Therefore, it has been classified as a Variant of Uncertain Significance.

Literature cited by the submitters: PubMed 17576681; PubMed 9536098.

NM_000275.3(OCA2):c.1183-4_1183-3delinsGC

Gene: OCA2 (OCA2 melanosomal transmembrane protein; minus strand). Cytogenetic location: 15q13.1.
Variant type: Indel.
Coding change: c.1183-4_1183-3delinsGC on transcript NM_000275.3 (MANE Select); 4 bases into the intron before coding-DNA position 1183 through 3 bases into the intron before coding-DNA position 1183, AT replaced by GC.
Molecular consequence: intron variant.
Genome position (GRCh38, 1-based): chr15:27,986,646-27,986,647, AT replaced by GC on the plus strand (AT replaced by GC on the coding strand, the reverse complement: OCA2 is on the minus strand). VCF-style: chr15-27986646-AT-GC. GRCh37 (hg19) VCF-style: chr15-28231792-AT-GC.
Other names: c.1111-4_1111-3delinsGC (NM_001300984.2).
Identifiers: ClinVar variation 1443408 (VCV001443408.3), dbSNP rs2140989991, ClinGen allele CA2573150582.